The following is an entry in ClinVar:

ClinVar aggregate classification (germline): Uncertain significance (1 of 4 stars; one submission).

Conditions:
Mowat-Wilson syndrome (MOWS). Also called: Classic Mowat-Wilson Syndrome. Identifiers: Orphanet 2152, MedGen C1856113, MONDO:0009341, OMIM 235730.

Submission:

Labcorp Genetics (formerly Invitae), Labcorp
Classification: Uncertain significance for Mowat-Wilson syndrome. Last evaluated: 2022-04-13. Review status: criteria provided, single submitter. Criteria: Invitae Variant Classification Sherloc (09022015). Collection method: clinical testing. Allele origin: germline.
Comment: In summary, the available evidence is currently insufficient to determine the role of this variant in disease. Therefore, it has been classified as a Variant of Uncertain Significance. Algorithms developed to predict the effect of missense changes on protein structure and function are either unavailable or do not agree on the potential impact of this missense change (SIFT: "Deleterious"; PolyPhen-2: "Benign"; Align-GVGD: "Class C0"). This variant has not been reported in the literature in individuals affected with ZEB2-related conditions. This variant is not present in population databases (gnomAD no frequency). This sequence change replaces glycine, which is neutral and non-polar, with valine, which is neutral and non-polar, at codon 1213 of the ZEB2 protein (p.Gly1213Val).

NM_014795.4(ZEB2):c.3638G>T (p.Gly1213Val)

Gene: ZEB2 (zinc finger E-box binding homeobox 2; minus strand). Cytogenetic location: 2q22.3.
Variant type: single nucleotide variant.
Coding change: c.3638G>T on transcript NM_014795.4 (MANE Select); coding-DNA position 3638, G replaced by T.
Protein change: p.Gly1213Val; replaces glycine 1213 with valine.
Molecular consequence: missense variant.
Genome position (GRCh38, 1-based): chr2:144,389,458, C>A on the plus strand (G>T on the coding strand, the complement: ZEB2 is on the minus strand). VCF-style: chr2-144389458-C-A. GRCh37 (hg19) VCF-style: chr2-145147025-C-A.
Other names: c.3566G>T, p.Gly1189Val (NM_001171653.2); short protein forms G1213V, G1189V.
Identifiers: ClinVar variation 2126011 (VCV002126011.4), dbSNP rs2549101536, ClinGen allele CA348698549.